The following is an entry in ClinVar:

NM_015001.3(SPEN):c.5872C>T (p.Arg1958Trp)

Gene: SPEN (spen family transcriptional repressor; plus strand). Cytogenetic location: 1p36.13.
Variant type: single nucleotide variant.
Coding change: c.5872C>T on transcript NM_015001.3 (MANE Select); coding-DNA position 5872, C replaced by T.
Protein change: p.Arg1958Trp; replaces arginine 1958 with tryptophan.
Molecular consequence: missense variant.
Genome position (GRCh38, 1-based): chr1:15,932,112, C>T. VCF-style: chr1-15932112-C-T. GRCh37 (hg19) VCF-style: chr1-16258607-C-T.
Other names: short protein forms R1958W.
Identifiers: ClinVar variation 2629999 (VCV002629999.1), dbSNP rs753287056, ClinGen allele CA619805.
Genomic context (GRCh38, chr1:15,932,112, plus strand): 5'-CTTCAGGAGGCTGCAGCGGTTCCCACCACCCCTCGGAGGGGAAGGCCTCCAAAGACACGC[C>T]GGCGAGCCGATGAAGAGGAGGAGAACGAGGCCAAGGAACCTGCAGAAACACTCAAGCCAC-3'
Protein context (NP_055816.2, residues 1948-1968): PRRGRPPKTR[Arg1958Trp]RADEEEENEA

ClinVar aggregate classification (germline): Uncertain significance (1 of 4 stars; one submission).

Conditions:
SPEN-related disorder. Also called: SPEN-related condition.

Allele frequency attached by ClinVar (database versions not stated): gnomAD exomes 0.00001; TOPMed 0.00001.
gnomAD v4.1: 19 of 1,613,402 alleles (0.0012%); highest among the groups gnomAD compares: Middle Eastern, 0.016%; no homozygotes.

Submission:

PreventionGenetics, part of Exact Sciences
Classification: Uncertain significance for SPEN-related condition. Last evaluated: 2022-12-19. Review status: criteria provided, single submitter. Criteria: ACMG Guidelines, 2015. Collection method: clinical testing. Allele origin: germline.
Comment: The SPEN c.5872C>T variant is predicted to result in the amino acid substitution p.Arg1958Trp. To our knowledge, this variant has not been reported in the literature. This variant is reported in 0.0050% of alleles in individuals of East Asian descent in gnomAD. Although we suspect that this variant may be pathogenic, at this time, the clinical significance of this variant is uncertain due to the absence of conclusive functional and genetic evidence.